The following is an entry in ClinVar:

NM_001134831.2(AHI1):c.964G>A (p.Gly322Ser)

Gene: AHI1 (Abelson helper integration site 1; minus strand). Cytogenetic location: 6q23.3.
Variant type: single nucleotide variant.
Coding change: c.964G>A on transcript NM_001134831.2 (MANE Select); coding-DNA position 964, G replaced by A.
Protein change: p.Gly322Ser; replaces glycine 322 with serine.
Molecular consequence: missense variant.
Genome position (GRCh38, 1-based): chr6:135,457,681, C>T on the plus strand (G>A on the coding strand, the complement: AHI1 is on the minus strand). VCF-style: chr6-135457681-C-T. GRCh37 (hg19) VCF-style: chr6-135778819-C-T.
Other names: c.964G>A, p.Gly322Ser (NM_001134830.2, NM_001134832.2, NM_001350503.2 and 2 more transcripts); c.964G>A (NM_017651.4); short protein forms G322S.
Identifiers: ClinVar variation 1445258 (VCV001445258.4), dbSNP rs1382955866, ClinGen allele CA365747977.

ClinVar aggregate classification (germline): Uncertain significance. Review status: criteria provided, multiple submitters, no conflicts (2 of 4 stars). 2 submissions from 2 submitters: Uncertain significance (2). Last evaluated 2025-12-16.

Conditions:
Inborn genetic diseases. Identifiers: MedGen C0950123, MeSH D030342.
Joubert syndrome. Also called: JOUBERT-BOLTSHAUSER SYNDROME; Familial aplasia of the vermis. Identifiers: Orphanet 475, MedGen C5979921, MONDO:0018772.

Allele frequency attached by ClinVar (database versions not stated): gnomAD 0.00001; gnomAD exomes 0.00001; TOPMed 0.00001.
gnomAD v4.1: 12 of 1,613,668 alleles (0.00074%); highest among the groups gnomAD compares: Non-Finnish European, 0.001%; no homozygotes.

Submissions (2):

Ambry Genetics
Classification: Uncertain significance for Inborn genetic diseases. Last evaluated: 2025-12-16. Review status: criteria provided, single submitter. Criteria: Ambry Variant Classification Scheme 2023. Collection method: clinical testing. Allele origin: germline.

Labcorp Genetics (formerly Invitae), Labcorp
Classification: Uncertain significance for Joubert syndrome. Last evaluated: 2021-12-03. Review status: criteria provided, single submitter. Criteria: Invitae Variant Classification Sherloc (09022015). Collection method: clinical testing. Allele origin: germline.
Comment: This sequence change replaces glycine, which is neutral and non-polar, with serine, which is neutral and polar, at codon 322 of the AHI1 protein (p.Gly322Ser). This variant is not present in population databases (gnomAD no frequency). This variant has not been reported in the literature in individuals affected with AHI1-related conditions. Advanced modeling of protein sequence and biophysical properties (such as structural, functional, and spatial information, amino acid conservation, physicochemical variation, residue mobility, and thermodynamic stability) performed at Invitae indicates that this missense variant is not expected to disrupt AHI1 protein function. In summary, the available evidence is currently insufficient to determine the role of this variant in disease. Therefore, it has been classified as a Variant of Uncertain Significance.